The following is an entry in ClinVar:

NM_005732.4(RAD50):c.1592A>G (p.His531Arg)

Gene: RAD50 (RAD50 double strand break repair protein; plus strand). Cytogenetic location: 5q31.1.
Variant type: single nucleotide variant.
Coding change: c.1592A>G on transcript NM_005732.4 (MANE Select); coding-DNA position 1592, A replaced by G.
Protein change: p.His531Arg; replaces histidine 531 with arginine.
Molecular consequence: missense variant.
Genome position (GRCh38, 1-based): chr5:132,591,363, A>G. VCF-style: chr5-132591363-A-G. GRCh37 (hg19) VCF-style: chr5-131927055-A-G.
Other names: short protein forms H531R.
Identifiers: ClinVar variation 219490 (VCV000219490.17), dbSNP rs776085424, ClinGen allele CA350381.

ClinVar aggregate classification (germline): Uncertain significance. Review status: criteria provided, multiple submitters, no conflicts (2 of 4 stars). 3 submissions from 3 submitters: Uncertain significance (3). Last evaluated 2025-03-02.

Conditions:
RAD50-related disorder. Also called: RAD50-related condition.
Hereditary cancer-predisposing syndrome. Also called: Neoplastic Syndromes, Hereditary; Tumor predisposition; Hereditary Cancer Syndrome; Hereditary neoplastic syndrome. Identifiers: Orphanet 140162, MedGen C0027672, MeSH D009386, MONDO:0015356.

Allele frequency attached by ClinVar (database versions not stated): ExAC 0.00001; gnomAD 0.00001; gnomAD exomes 0.00001 and 0.00002; TOPMed 0.00002.

Submissions (3):

PreventionGenetics, part of Exact Sciences
Classification: Uncertain significance for RAD50-related condition. Last evaluated: 2025-03-02. Review status: criteria provided, single submitter. Criteria: ACMG Guidelines, 2015. Collection method: clinical testing. Allele origin: germline.
Comment: The RAD50 c.1592A>G variant is predicted to result in the amino acid substitution p.His531Arg. To our knowledge, this variant has not been reported in the literature. This variant is reported in 0.020% of alleles in individuals of East Asian descent in gnomAD and is interpreted as uncertain in ClinVar. At this time, the clinical significance of this variant is uncertain due to the absence of conclusive functional and genetic evidence.

Labcorp Genetics (formerly Invitae), Labcorp
Classification: Uncertain significance for Hereditary cancer-predisposing syndrome. Last evaluated: 2024-08-13. Review status: criteria provided, single submitter. Criteria: Invitae Variant Classification Sherloc (09022015). Collection method: clinical testing. Allele origin: germline.
Comment: This sequence change replaces histidine, which is basic and polar, with arginine, which is basic and polar, at codon 531 of the RAD50 protein (p.His531Arg). This variant is present in population databases (rs776085424, gnomAD 0.02%). This variant has not been reported in the literature in individuals affected with RAD50-related conditions. ClinVar contains an entry for this variant (Variation ID: 219490). Advanced modeling of protein sequence and biophysical properties (such as structural, functional, and spatial information, amino acid conservation, physicochemical variation, residue mobility, and thermodynamic stability) performed at Invitae indicates that this missense variant is expected to disrupt RAD50 protein function with a positive predictive value of 80%. In summary, the available evidence is currently insufficient to determine the role of this variant in disease. Therefore, it has been classified as a Variant of Uncertain Significance.

Ambry Genetics
Classification: Uncertain significance for Hereditary cancer-predisposing syndrome. Last evaluated: 2022-12-09. Review status: criteria provided, single submitter. Criteria: Ambry Variant Classification Scheme 2023. Collection method: clinical testing. Allele origin: germline.
Comment: The p.H531R variant (also known as c.1592A>G), located in coding exon 10 of the RAD50 gene, results from an A to G substitution at nucleotide position 1592. The histidine at codon 531 is replaced by arginine, an amino acid with highly similar properties. This amino acid position is highly conserved in available vertebrate species. In addition, the in silico prediction for this alteration is inconclusive. Since supporting evidence is limited at this time, the clinical significance of this alteration remains unclear.